The following is an entry in ClinVar:

ClinVar aggregate classification (germline): Uncertain significance (1 of 4 stars; one submission).

Conditions:
Werner syndrome (WRN). Identifiers: Orphanet 902, MedGen C0043119, MONDO:0010196, OMIM 277700.

Allele frequency attached by ClinVar (database versions not stated): gnomAD exomes below 0.00001.
gnomAD v4.1: 1 of 1,613,898 alleles (0.000062%); highest among the groups gnomAD compares: Non-Finnish European, 0.000085%; no homozygotes.

Submission:

Labcorp Genetics (formerly Invitae), Labcorp
Classification: Uncertain significance for Werner syndrome. Last evaluated: 2020-02-11. Review status: criteria provided, single submitter. Criteria: Invitae Variant Classification Sherloc (09022015). Collection method: clinical testing. Allele origin: germline.
Comment: This sequence change replaces histidine with asparagine at codon 357 of the WRN protein (p.His357Asn). The histidine residue is weakly conserved and there is a small physicochemical difference between histidine and asparagine. This variant is not present in population databases (ExAC no frequency). This variant has not been reported in the literature in individuals with WRN-related conditions. Algorithms developed to predict the effect of missense changes on protein structure and function output the following: SIFT: "Not Available"; PolyPhen-2: "Benign"; Align-GVGD: "Not Available". The asparagine amino acid residue is found in multiple mammalian species, suggesting that this missense change does not adversely affect protein function. These predictions have not been confirmed by published functional studies and their clinical significance is uncertain. In summary, the available evidence is currently insufficient to determine the role of this variant in disease. Therefore, it has been classified as a Variant of Uncertain Significance.

NM_000553.6(WRN):c.1069C>A (p.His357Asn)

Gene: WRN (WRN RecQ like helicase; plus strand). Cytogenetic location: 8p12.
Variant type: single nucleotide variant.
Coding change: c.1069C>A on transcript NM_000553.6 (MANE Select); coding-DNA position 1069, C replaced by A.
Protein change: p.His357Asn; replaces histidine 357 with asparagine.
Molecular consequence: missense variant.
Genome position (GRCh38, 1-based): chr8:31,081,096, C>A. VCF-style: chr8-31081096-C-A. GRCh37 (hg19) VCF-style: chr8-30938612-C-A.
Other names: short protein forms H357N.
Identifiers: ClinVar variation 1022001 (VCV001022001.3), dbSNP rs1813290197, ClinGen allele CA370920545.
Genomic context (GRCh38, chr8:31,081,096, plus strand): 5'-GAAGTTTTAATTCACGTTGAAGATGAAACATGGGACCCAACACTTGATCATTTAGCTAAA[C>A]ATGATGGAGAAGATGTACTTGGAAATAAAGTGGAACGAAAAGAAGATGGATTTGAAGATG-3'
Protein context (NP_000544.2, residues 347-367): WDPTLDHLAK[His357Asn]DGEDVLGNKV